The following is an entry in ClinVar:

ClinVar aggregate classification (germline): Conflicting classifications of pathogenicity. Review status: criteria provided, conflicting classifications (1 of 4 stars). 5 submissions from 5 submitters: Uncertain significance (2); Likely benign (2). 1 of the submissions does not count toward it. Last evaluated 2025-09-24.

Conditions:
Posterior polymorphous corneal dystrophy. Also called: CORNEAL DYSTROPHY, HEREDITARY POLYMORPHOUS POSTERIOR; Polymorphous corneal dystrophy. Identifiers: Orphanet 98973, MedGen C0339284, MONDO:0020364, HP:0007915.
VSX1-related disorder. Also called: VSX1-related condition.

Allele frequency attached by ClinVar (database versions not stated): 1000 Genomes Project 0.00020; ESP Exome Variant Server 0.00037; ExAC 0.00040; 1000 Genomes Project 30x 0.00047; gnomAD 0.00087; gnomAD exomes 0.00088; TOPMed 0.00104.
gnomAD v4.1: 1,562 of 1,530,740 alleles (0.1%); highest among the groups gnomAD compares: Middle Eastern, 0.52%; 2 homozygotes.

Submissions (5):

Labcorp Genetics (formerly Invitae), Labcorp
Classification: Likely benign. Last evaluated: 2025-09-24. Review status: criteria provided, single submitter. Criteria: Invitae Variant Classification Sherloc (09022015). Collection method: clinical testing. Allele origin: germline.

CeGaT Center for Human Genetics Tuebingen
Classification: Likely benign. Last evaluated: 2022-11-01. Review status: criteria provided, single submitter. Criteria: CeGaT Center For Human Genetics Tuebingen Variant Classification Criteria Version 2. Collection method: clinical testing. Allele origin: germline. Affected: yes. Observed: 1 variant allele.
Comment: VSX1: BS1

Illumina Laboratory Services, Illumina
Classification: Uncertain significance for Polymorphous corneal dystrophy. Last evaluated: 2017-05-10. Review status: criteria provided, single submitter. Criteria: ICSL Variant Classification Criteria 13 December 2019. Collection method: clinical testing. Allele origin: germline.
Comment: This variant was observed as part of a predisposition screen in an ostensibly healthy population. A literature search was performed for the gene, cDNA change, and amino acid change (where applicable). Publications were found based on this search. However, the evidence from the literature, in combination with allele frequency data from public databases where available, was not sufficient to rule this variant in or out of causing disease. Therefore, this variant is classified as a variant of unknown significance.

Laboratory for Molecular Medicine, Mass General Brigham Personalized Medicine
Classification: Uncertain significance. Last evaluated: 2016-03-29. Review status: criteria provided, single submitter. Criteria: LMM Criteria. Collection method: clinical testing. Allele origin: germline.
Comment: Variant identified in a genome or exome case(s) and assessed due to predicted null impact of the variant or pathogenic assertions in the literature or databases. Disclaimer: This variant has not undergone full assessment.

PreventionGenetics, part of Exact Sciences
Classification: Likely benign for VSX1-related condition. Last evaluated: 2024-03-07. Review status: no assertion criteria provided. Collection method: clinical testing. Allele origin: germline. Not counted in ClinVar's aggregate classification.
Comment: This variant is classified as likely benign based on ACMG/AMP sequence variant interpretation guidelines (Richards et al. 2015 PMID: 25741868, with internal and published modifications).

Literature cited by the submitters: PubMed 23592923 (cited by Illumina Laboratory Services, Illumina).

NM_014588.6(VSX1):c.173C>T (p.Pro58Leu)

Gene: VSX1 (visual system homeobox 1; minus strand). Cytogenetic location: 20p11.21.
Variant type: single nucleotide variant.
Coding change: c.173C>T on transcript NM_014588.6 (MANE Select); coding-DNA position 173, C replaced by T.
Protein change: p.Pro58Leu; replaces proline 58 with leucine.
Molecular consequence: missense variant. On other transcripts: non-coding transcript variant (2).
Genome position (GRCh38, 1-based): chr20:25,081,924, G>A on the plus strand (C>T on the coding strand, the complement: VSX1 is on the minus strand). VCF-style: chr20-25081924-G-A. GRCh37 (hg19) VCF-style: chr20-25062560-G-A.
Other names: c.173C>T, p.Pro58Leu (NM_001256271.2, NM_001256272.2, NM_199425.3); short protein forms P58L.
Identifiers: ClinVar variation 337970 (VCV000337970.45), dbSNP rs369865672, ClinGen allele CA9793693.